The following is an entry in ClinVar:

ClinVar aggregate classification (germline): Uncertain significance (1 of 4 stars; one submission).

Conditions:
Inborn genetic diseases. Identifiers: MedGen C0950123, MeSH D030342.

Submission:

Ambry Genetics
Classification: Uncertain significance for Inborn genetic diseases. Last evaluated: 2025-10-30. Review status: criteria provided, single submitter. Criteria: Ambry Variant Classification Scheme 2023. Collection method: clinical testing. Allele origin: germline.
Comment: The p.K991N variant (also known as c.2973A>T), located in coding exon 24 of the ANKRD26 gene, results from an A to T substitution at nucleotide position 2973. The lysine at codon 991 is replaced by asparagine, an amino acid with similar properties. This amino acid position is conserved. In addition, this alteration is predicted to be tolerated by in silico analysis. Based on the available evidence, the clinical significance of this variant remains unclear.

NM_014915.3(ANKRD26):c.2973A>T (p.Lys991Asn)

Gene: ANKRD26 (ankyrin repeat domain 26; minus strand). Cytogenetic location: 10p12.1.
Variant type: single nucleotide variant.
Coding change: c.2973A>T on transcript NM_014915.3 (MANE Select); coding-DNA position 2973, A replaced by T.
Protein change: p.Lys991Asn; replaces lysine 991 with asparagine.
Molecular consequence: missense variant.
Genome position (GRCh38, 1-based): chr10:27,035,477, T>A on the plus strand (A>T on the coding strand, the complement: ANKRD26 is on the minus strand). VCF-style: chr10-27035477-T-A. GRCh37 (hg19) VCF-style: chr10-27324406-T-A.
Other names: c.2970A>T, p.Lys990Asn (NM_001256053.2); short protein forms K991N, K990N.
Identifiers: ClinVar variation 4579724 (VCV004579724.1).